The following is an entry in ClinVar:

NM_004006.3(DMD):c.9564-715T>C

Gene: DMD (dystrophin; minus strand). Cytogenetic location: Xp21.2.
Variant type: single nucleotide variant.
Coding change: c.9564-715T>C on transcript NM_004006.3 (MANE Select); 715 bases into the intron before coding-DNA position 9564, T replaced by C.
Molecular consequence: intron variant.
Genome position (GRCh38, 1-based): chrX:31,207,382, A>G on the plus strand (T>C on the coding strand, the complement: DMD is on the minus strand). VCF-style: chrX-31207382-A-G. GRCh37 (hg19) VCF-style: chrX-31225499-A-G.
Other names: c.9540-715T>C (NM_000109.4); c.5541-715T>C (NM_004011.4); c.5532-715T>C (NM_004012.4); c.2184-715T>C (NM_004023.3, NM_004020.4, NM_004022.3 and 2 more transcripts); c.1377-715T>C (NM_004014.3); c.360-715T>C (NM_004018.3, NM_004017.3, NM_004016.3 and 2 more transcripts); c.9552-715T>C (NM_004009.3); c.9195-715T>C (NM_004010.3).
Identifiers: ClinVar variation 680541 (VCV000680541.1), dbSNP rs5927705, ClinGen allele CA328407979.

ClinVar aggregate classification (germline): Benign (1 of 4 stars; one submission).

Allele frequency attached by ClinVar (database versions not stated): 1000 Genomes Project 30x 0.93319; 1000 Genomes Project 0.93351; TOPMed 0.95128; gnomAD 0.95617.

Submission:

GeneDx
Classification: Benign. Last evaluated: 2018-06-14. Review status: criteria provided, single submitter. Criteria: GeneDx Variant Classification (06012015). Collection method: clinical testing. Allele origin: germline. Affected: yes.
Comment: This variant is considered likely benign or benign based on one or more of the following criteria: it is a conservative change, it occurs at a poorly conserved position in the protein, it is predicted to be benign by multiple in silico algorithms, and/or has population frequency not consistent with disease.